The following is an entry in ClinVar:

ClinVar aggregate classification (germline): Uncertain significance (1 of 4 stars; one submission).

Conditions:
POLD1-related polyposis and colorectal cancer syndrome (CRCS10). Also called: COLORECTAL CANCER, SUSCEPTIBILITY TO, ON CHROMOSOME 19q; Colorectal cancer 10; Colorectal cancer, susceptibility to, 10. Identifiers: Orphanet 220460, MedGen C2675481, MONDO:0012953, OMIM 612591.

Submission:

Labcorp Genetics (formerly Invitae), Labcorp
Classification: Uncertain significance for POLD1-related polyposis and colorectal cancer syndrome. Last evaluated: 2025-06-30. Review status: criteria provided, single submitter. Criteria: Invitae Variant Classification Sherloc (09022015). Collection method: clinical testing. Allele origin: germline.
Comment: This sequence change replaces valine, which is neutral and non-polar, with methionine, which is neutral and non-polar, at codon 530 of the POLD1 protein (p.Val530Met). This variant is not present in population databases (gnomAD no frequency). This variant has not been reported in the literature in individuals affected with POLD1-related conditions. Invitae Evidence Modeling of protein sequence and biophysical properties (such as structural, functional, and spatial information, amino acid conservation, physicochemical variation, residue mobility, and thermodynamic stability) indicates that this missense variant is not expected to disrupt POLD1 protein function with a negative predictive value of 80%. In summary, the available evidence is currently insufficient to determine the role of this variant in disease. Therefore, it has been classified as a Variant of Uncertain Significance.

NM_002691.4(POLD1):c.1588G>A (p.Val530Met)

Gene: POLD1 (DNA polymerase delta 1, catalytic subunit; plus strand). Cytogenetic location: 19q13.33.
Variant type: single nucleotide variant.
Coding change: c.1588G>A on transcript NM_002691.4 (MANE Select); coding-DNA position 1588, G replaced by A.
Protein change: p.Val530Met; replaces valine 530 with methionine.
Molecular consequence: missense variant. On other transcripts: non-coding transcript variant (1).
Genome position (GRCh38, 1-based): chr19:50,407,076, G>A. VCF-style: chr19-50407076-G-A. GRCh37 (hg19) VCF-style: chr19-50910333-G-A.
Other names: c.1588G>A, p.Val530Met (NM_001256849.1, NM_001308632.1, NM_001438210.1 and 3 more transcripts); short protein forms V530M.
Identifiers: ClinVar variation 4698863 (VCV004698863.1).